The following is an entry in ClinVar:

ClinVar aggregate classification (germline): Pathogenic (1 of 4 stars; one submission).

Conditions:
Aicardi-Goutieres syndrome 1. Also called: PSEUDOTOXOPLASMOSIS SYNDROME; CREE ENCEPHALITIS; ENCEPHALOPATHY, FAMILIAL INFANTILE, WITH INTRACRANIAL CALCIFICATION AND CHRONIC CEREBROSPINAL FLUID LYMPHOCYTOSIS. Identifiers: Orphanet 51, MedGen C0796126, MONDO:0009165, OMIM 225750.

Submission:

First Genomix Gene Laboratory, Genetic Diagnostics Department
Classification: Pathogenic for Aicardi-Goutieres syndrome 1. Last evaluated: 2025-09-23. Review status: criteria provided, single submitter. Criteria: ACMG Guidelines, 2015. Collection method: clinical testing. Allele origin: germline. Inheritance: Autosomal recessive inheritance. Affected: no. Observed: 1 variant allele.

NM_173660.5(DOK7):c.1395_1440del (p.Leu466fs)

Gene: DOK7 (docking protein 7; plus strand). Cytogenetic location: 4p16.3.
Variant type: Deletion.
Coding change: c.1395_1440del on transcript NM_173660.5 (MANE Select); coding-DNA positions 1395 to 1440, 46 bases deleted.
Protein change: p.Leu466fs; shifts the reading frame from leucine 466.
Molecular consequence: frameshift variant. On other transcripts: 3 prime UTR variant (1).
Genome position (GRCh38, 1-based): chr4:3,493,381-3,493,426, 46 bases deleted; deleting any 46 consecutive bases within chr4:3,493,380-3,493,426 gives the same sequence; the c. name uses the placement nearest the transcript's 3' end. GRCh37 (hg19): chr4:3,495,108-3,495,153.
Other names: c.*616_*661del (NM_001164673.2); c.465_510del, p.Leu156fs (NM_001256896.2); c.1395_1440del, p.Leu466fs (NM_001301071.2); c.963_1008del, p.Leu322fs (NM_001363811.2); short protein forms L156fs, L322fs, L466fs.
Identifiers: ClinVar variation 4850432 (VCV004850432.1).